The following is an entry in ClinVar:

NM_015559.3(SETBP1):c.499A>G (p.Ser167Gly)

Gene: SETBP1 (SET binding protein 1; plus strand). Cytogenetic location: 18q12.3.
Variant type: single nucleotide variant.
Coding change: c.499A>G on transcript NM_015559.3 (MANE Select); coding-DNA position 499, A replaced by G.
Protein change: p.Ser167Gly; replaces serine 167 with glycine.
Molecular consequence: missense variant.
Genome position (GRCh38, 1-based): chr18:44,869,242, A>G. VCF-style: chr18-44869242-A-G. GRCh37 (hg19) VCF-style: chr18-42449207-A-G.
Other names: c.499A>G, p.Ser167Gly (NM_001130110.2, NM_001379141.1, NM_001379142.1); c.499A>G (NM_015559.2); short protein forms S167G.
Identifiers: ClinVar variation 1347620 (VCV001347620.6), dbSNP rs1188369147, ClinGen allele CA402482744.
Genomic context (GRCh38, chr18:44,869,242, plus strand): 5'-ATGCAAACTGAAAAGTGTCACTGAGAAAATTTCTTTATTCTTTTGCAGCTCCTCACAGCC[A>G]GTGACCTTGCAGCCAGTGACCTCAAAGGATTTCAGCCACAGGTAAGTTCCACTGATGCTT-3'
Protein context (NP_056374.2, residues 157-177): SHSKKKLLTA[Ser167Gly]DLAASDLKGF

ClinVar aggregate classification (germline): Uncertain significance. Review status: criteria provided, multiple submitters, no conflicts (2 of 4 stars). 2 submissions from 2 submitters: Uncertain significance (2). Last evaluated 2025-11-03.

Conditions:
Inborn genetic diseases. Identifiers: MedGen C0950123, MeSH D030342.

Allele frequency attached by ClinVar (database versions not stated): gnomAD exomes below 0.00001.
gnomAD v4.1: 1 of 1,613,992 alleles (0.000062%); highest among the groups gnomAD compares: Admixed American, 0.0017%; no homozygotes.

Submissions (2):

Ambry Genetics
Classification: Uncertain significance for Inborn genetic diseases. Last evaluated: 2025-11-03. Review status: criteria provided, single submitter. Criteria: Ambry Variant Classification Scheme 2023. Collection method: clinical testing. Allele origin: germline.

Labcorp Genetics (formerly Invitae), Labcorp
Classification: Uncertain significance. Last evaluated: 2022-07-26. Review status: criteria provided, single submitter. Criteria: Invitae Variant Classification Sherloc (09022015). Collection method: clinical testing. Allele origin: germline.
Comment: This sequence change replaces serine, which is neutral and polar, with glycine, which is neutral and non-polar, at codon 167 of the SETBP1 protein (p.Ser167Gly). This variant is present in population databases (no rsID available, gnomAD 0.003%). This variant has not been reported in the literature in individuals affected with SETBP1-related conditions. ClinVar contains an entry for this variant (Variation ID: 1347620). Algorithms developed to predict the effect of missense changes on protein structure and function (SIFT, PolyPhen-2, Align-GVGD) all suggest that this variant is likely to be tolerated. In summary, the available evidence is currently insufficient to determine the role of this variant in disease. Therefore, it has been classified as a Variant of Uncertain Significance.